The following is an entry in ClinVar:

ClinVar aggregate classification (germline): Conflicting classifications of pathogenicity. Review status: criteria provided, conflicting classifications (1 of 4 stars). 2 submissions from 2 submitters: Uncertain significance (1); Likely benign (1). Last evaluated 2026-01-26.

Conditions:
Idiopathic Pulmonary Fibrosis. Also called: Idiopathic fibrosing alveolitis, chronic form; idiopathic fibrosing alveolitis. Identifiers: Orphanet 2032, MedGen C1800706, MeSH D054990, MONDO:0800504.
Dyskeratosis congenita, autosomal dominant 2. Identifiers: MedGen C3151443, MONDO:0013521, OMIM 613989.
Dyskeratosis congenita. Identifiers: Orphanet 1775, MedGen C0265965, MONDO:0015780.

Allele frequency attached by ClinVar (database versions not stated): gnomAD exomes 0.00001.
gnomAD v4.1: 7 of 1,542,602 alleles (0.00045%); highest among the groups gnomAD compares: Middle Eastern, 0.017%; no homozygotes.

Submissions (2):

Labcorp Genetics (formerly Invitae), Labcorp
Classification: Likely benign for Dyskeratosis congenita, autosomal dominant 2; Idiopathic Pulmonary Fibrosis. Last evaluated: 2026-01-26. Review status: criteria provided, single submitter. Criteria: Invitae Variant Classification Sherloc (09022015). Collection method: clinical testing. Allele origin: germline.

Ambry Genetics
Classification: Uncertain significance for Dyskeratosis congenita. Last evaluated: 2025-07-02. Review status: criteria provided, single submitter. Criteria: Ambry Variant Classification Scheme 2023. Collection method: clinical testing. Allele origin: germline.
Comment: The p.P322L variant (also known as c.965C>T), located in coding exon 2 of the TERT gene, results from a C to T substitution at nucleotide position 965. The proline at codon 322 is replaced by leucine, an amino acid with similar properties. This amino acid position is not well conserved in available vertebrate species. In addition, this alteration is predicted to be tolerated by in silico analysis. Based on the available evidence, the clinical significance of this variant remains unclear.

NM_198253.3(TERT):c.965C>T (p.Pro322Leu)

Gene: TERT (telomerase reverse transcriptase; minus strand). Cytogenetic location: 5p15.33.
Variant type: single nucleotide variant.
Coding change: c.965C>T on transcript NM_198253.3 (MANE Select); coding-DNA position 965, C replaced by T.
Protein change: p.Pro322Leu; replaces proline 322 with leucine.
Molecular consequence: missense variant. On other transcripts: non-coding transcript variant (2).
Genome position (GRCh38, 1-based): chr5:1,293,921, G>A on the plus strand (C>T on the coding strand, the complement: TERT is on the minus strand). VCF-style: chr5-1293921-G-A. GRCh37 (hg19) VCF-style: chr5-1294036-G-A.
Other names: c.965C>T, p.Pro322Leu (NM_001193376.3); short protein forms P322L.
Identifiers: ClinVar variation 1009835 (VCV001009835.10), dbSNP rs1438162956, ClinGen allele CA359056059.
Genomic context (GRCh38, chr5:1,293,921, plus strand): 5'-CGCAGCTGCTCCTTGTCGCCTGAGGAGTAGAGGAAGTGCTTGGTCTCGGCGTACACCGGG[G>A]GACAAGGCGTGTCCCAGGGACGTGGTGGCCGCGATGTGGATGGGGGGCCCGCGTGGTGCT-3'
Protein context (NP_937983.2, residues 312-332): RPPRPWDTPC[Pro322Leu]PVYAETKHFL